The following is an entry in ClinVar:

NM_201548.5(CERKL):c.1086_1087del (p.Cys362_Glu363delinsTer)

Gene: CERKL (CERK like autophagy regulator; minus strand). Cytogenetic location: 2q31.3.
Variant type: Microsatellite.
Coding change: c.1086_1087del on transcript NM_201548.5 (MANE Select); coding-DNA positions 1086 to 1087, 2 bases deleted (TG; older notation c.1086_1087delTG).
Protein change: p.Cys362_Glu363delinsTer.
Molecular consequence: nonsense. On other transcripts: non-coding transcript variant (2).
Genome position (GRCh38, 1-based): chr2:181,548,591-181,548,592, CA deleted on the plus strand (TG on the coding strand, the reverse complement: CERKL is on the minus strand); deleting any 2 consecutive bases within chr2:181,548,591-181,548,594 gives the same sequence; the c. name uses the placement nearest the transcript's 3' end. VCF-style (leftmost placement, unchanged base first): chr2-181548590-TCA-T. GRCh37 (hg19) VCF-style: chr2-182413317-TCA-T.
Other names: c.1164_1165del (NM_001030311.2); c.1164_1165del, p.Cys388_Glu389delinsTer (NM_001030311.3); c.747_748del, p.Cys249_Glu250delinsTer (NM_001030312.3); c.879_880del, p.Cys293_Glu294delinsTer (NM_001030313.3); c.1032_1033del, p.Cys344_Glu345delinsTer (NM_001160277.2).
Identifiers: ClinVar variation 632335 (VCV000632335.59), dbSNP rs776727320, ClinGen allele CA2010570.

ClinVar aggregate classification (germline): Pathogenic. Review status: criteria provided, multiple submitters, no conflicts (2 of 4 stars). 7 submissions from 7 submitters: Pathogenic (7). Last evaluated 2026-01-08.

Conditions:
CERKL-related disorders.
Retinitis pigmentosa 26 (RP26). Identifiers: Orphanet 791, MedGen C1842127, MONDO:0012024, OMIM 608380.

Submissions (7):

Myriad Genetics, Inc.
Classification: Pathogenic for Retinitis pigmentosa 26. Last evaluated: 2026-01-08. Review status: criteria provided, single submitter. Criteria: Myriad Autosomal Dominant, Autosomal Recessive and X-Linked Classification Criteria (2023). Collection method: clinical testing. Allele origin: unknown.
Comment: NM_001030311.2(CERKL):c.1164_1165delTG(C388*) is a frameshift variant classified as pathogenic in the context of retinitis pigmentosa, CERKL-related. C388* has been observed in cases with relevant disease (PMID: 19578027, 30851774, 32531858, 36460718). Relevant functional assessments of this variant are not available in the literature. C388* has been observed in referenced population frequency databases. In summary, NM_001030311.2(CERKL):c.1164_1165delTG(C388*) is a frameshift variant in a gene where loss of function is a known mechanism of disease, is predicted to disrupt protein function, and has been observed more frequently in cases with the relevant disease than in healthy populations. Please note: this variant was assessed in the context of healthy population screening.

Natera, Inc.
Classification: Pathogenic for Retinitis Pigmentosa 26. Last evaluated: 2025-05-01. Review status: criteria provided, single submitter. Criteria: Natera Variant Classification Schema (03/2026). Collection method: clinical testing. Allele origin: germline.
Comment: The c.1164_1165delTG variant in CERKL is a frameshift variant predicted to shift the reading frame and introduce a stop codon. This variant is expected to result in nonsense mediated decay, truncation, or a dysfunctional protein product. This variant is rare in the general population with a frequency below the threshold expected for the associated phenotype(s). This variant has been observed in one or more individuals affected with the associated recessive disease, as either homozygous or compound heterozygous with a second variant (PMID: 33921607). Given the available evidence, this variant is classified as Pathogenic.

Labcorp Genetics (formerly Invitae), Labcorp
Classification: Pathogenic. Last evaluated: 2023-11-22. Review status: criteria provided, single submitter. Criteria: Invitae Variant Classification Sherloc (09022015). Collection method: clinical testing. Allele origin: germline.
Comment: This sequence change creates a premature translational stop signal (p.Cys388*) in the CERKL gene. It is expected to result in an absent or disrupted protein product. Loss-of-function variants in CERKL are known to be pathogenic (PMID: 14681825, 23591405, 24043777). This variant is present in population databases (rs776727320, gnomAD 0.0009%). This premature translational stop signal has been observed in individual(s) with cone-rod dystrophy (PMID: 19578027). This variant is also known as c.60_61delGT; p.C362X. ClinVar contains an entry for this variant (Variation ID: 632335). For these reasons, this variant has been classified as Pathogenic.

Baylor Genetics
Classification: Pathogenic for Retinitis pigmentosa 26. Last evaluated: 2023-07-24. Review status: criteria provided, single submitter. Criteria: ACMG Guidelines, 2015. Collection method: clinical testing. Allele origin: unknown.

Blueprint Genetics
Classification: Pathogenic for CERKL-related disorders. Last evaluated: 2019-08-02. Review status: criteria provided, single submitter. Criteria: ACMG Guidelines, 2015. Collection method: clinical testing. Allele origin: germline. Affected: yes. Observed: 4 variant alleles.

CeGaT Center for Human Genetics Tuebingen
Classification: Pathogenic. Last evaluated: 2019-08-01. Review status: criteria provided, single submitter. Criteria: CeGaT Center For Human Genetics Tuebingen Variant Classification Criteria Version 2. Collection method: clinical testing. Allele origin: germline. Affected: yes. Observed: 3 variant alleles.

Juno Genomics, Hangzhou Juno Genomics, Inc
Classification: Pathogenic for Retinitis pigmentosa 26. Review status: criteria provided, single submitter. Criteria: ACMG Guidelines, 2015. Collection method: clinical testing. Allele origin: germline. Affected: yes.
Comment: Absent from controls (or at extremely low frequency if recessive) in Genome Aggregation Database, Exome Sequencing Project, 1000 Genomes Project, or Exome Aggregation Consortium.;Null variant in a gene where loss of function (LOF) is a known mechanism of disease.;For recessive disorders, detected in trans with a pathogenic variant.;Patient's phenotype or family history is highly specific for a disease with a single genetic etiology.

Literature cited by the submitters: PubMed 19578027 (cited by Myriad Genetics, Inc. and Labcorp Genetics (formerly Invitae), Labcorp); PubMed 30851774 (cited by Myriad Genetics, Inc.); PubMed 32531858 (cited by Myriad Genetics, Inc.); PubMed 36460718 (cited by Myriad Genetics, Inc.); PubMed 33921607 (cited by Natera, Inc.); PubMed 14681825 (cited by Labcorp Genetics (formerly Invitae), Labcorp); PubMed 23591405 (cited by Labcorp Genetics (formerly Invitae), Labcorp); PubMed 24043777 (cited by Labcorp Genetics (formerly Invitae), Labcorp).